The following is an entry in ClinVar:

ClinVar aggregate classification (germline): Conflicting classifications of pathogenicity. Review status: criteria provided, conflicting classifications (1 of 4 stars). 5 submissions from 5 submitters: Uncertain significance (3); Likely benign (2). Last evaluated 2026-07-27.

Conditions:
Inborn genetic diseases. Identifiers: MedGen C0950123, MeSH D030342.
KIDINS220-related disorder. Also called: KIDINS220-related condition.

Allele frequency attached by ClinVar (database versions not stated): ExAC 0.00016; gnomAD exomes 0.00020 and 0.00054; ESP Exome Variant Server 0.00033; gnomAD 0.00033 and 0.00034; TOPMed 0.00033.
gnomAD v4.1: 839 of 1,613,494 alleles (0.052%); highest among the groups gnomAD compares: Non-Finnish European, 0.066%; no homozygotes.

Submissions (5):

PreventionGenetics, part of Exact Sciences
Classification: Uncertain significance for KIDINS220-related condition. Last evaluated: 2026-07-27. Review status: criteria provided, single submitter. Criteria: ACMG Guidelines, 2015. Collection method: clinical testing. Allele origin: germline.
Comment: The KIDINS220 c.355G>A variant is predicted to result in the amino acid substitution p.Val119Ile. To our knowledge, this variant has not been reported in the literature. This variant is reported in 0.039% of alleles in individuals of European (non-Finnish) descent in gnomAD. At this time, the clinical significance of this variant is uncertain due to the absence of conclusive functional and genetic evidence.

Labcorp Genetics (formerly Invitae), Labcorp
Classification: Uncertain significance. Last evaluated: 2025-07-19. Review status: criteria provided, single submitter. Criteria: Invitae Variant Classification Sherloc (09022015). Collection method: clinical testing. Allele origin: germline.
Comment: This sequence change replaces valine, which is neutral and non-polar, with isoleucine, which is neutral and non-polar, at codon 119 of the KIDINS220 protein (p.Val119Ile). This variant is present in population databases (rs200899102, gnomAD 0.04%). This variant has not been reported in the literature in individuals affected with KIDINS220-related conditions. ClinVar contains an entry for this variant (Variation ID: 1298791). An algorithm developed to predict the effect of missense changes on protein structure and function (PolyPhen-2) suggests that this variant is likely to be disruptive. In summary, the available evidence is currently insufficient to determine the role of this variant in disease. Therefore, it has been classified as a Variant of Uncertain Significance.

GeneDx
Classification: Uncertain significance. Last evaluated: 2025-07-18. Review status: criteria provided, single submitter. Criteria: GeneDx Variant Classification Process June 2021. Collection method: clinical testing. Allele origin: germline. Affected: yes.
Comment: In silico analysis suggests that this missense variant does not alter protein structure/function; Has not been previously published as pathogenic or benign to our knowledge

Ambry Genetics
Classification: Likely benign for Inborn genetic diseases. Last evaluated: 2023-02-10. Review status: criteria provided, single submitter. Criteria: Ambry Variant Classification Scheme 2023. Collection method: clinical testing. Allele origin: germline.

CeGaT Center for Human Genetics Tuebingen
Classification: Likely benign. Last evaluated: 2021-09-01. Review status: criteria provided, single submitter. Criteria: CeGaT Center For Human Genetics Tuebingen Variant Classification Criteria Version 2. Collection method: clinical testing. Allele origin: germline. Affected: yes. Observed: 1 variant allele.

NM_020738.4(KIDINS220):c.355G>A (p.Val119Ile)

Gene: KIDINS220 (kinase D interacting substrate 220; minus strand). Cytogenetic location: 2p25.1.
Variant type: single nucleotide variant.
Coding change: c.355G>A on transcript NM_020738.4 (MANE Select); coding-DNA position 355, G replaced by A.
Protein change: p.Val119Ile; replaces valine 119 with isoleucine.
Molecular consequence: missense variant. On other transcripts: non-coding transcript variant (2).
Genome position (GRCh38, 1-based): chr2:8,813,287, C>T on the plus strand (G>A on the coding strand, the complement: KIDINS220 is on the minus strand). VCF-style: chr2-8813287-C-T. GRCh37 (hg19) VCF-style: chr2-8953417-C-T.
Other names: c.355G>A, p.Val119Ile (NM_001348729.2, NM_001348731.2, NM_001348740.2 and 9 more transcripts); c.355G>A (NM_020738.2); c.229G>A, p.Val77Ile (NM_001348736.2); short protein forms V119I, V77I.
Identifiers: ClinVar variation 1298791 (VCV001298791.46), dbSNP rs200899102, ClinGen allele CA1520451.
Genomic context (GRCh38, chr2:8,813,287, plus strand): 5'-TAATGCTTACCAGACCAGTGACACTTGGATTGGCACCATGAGAAAGAAGCAACTCTACTA[C>T]GTCAGTACGGCCTTTGTAACATGCCCACATAAGAGCTGTCCATCCTCCCTAAACAAAAAA-3'
Protein context (NP_065789.1, residues 109-129): MWACYKGRTD[Val119Ile]VELLLSHGAN